The following is an entry in ClinVar:

NM_130839.5(UBE3A):c.2519G>A (p.Cys840Tyr)

Genes: SNHG14 (small nucleolar RNA host gene 14; plus strand), UBE3A (ubiquitin protein ligase E3A; minus strand). Cytogenetic location: 15q11.2.
Variant type: single nucleotide variant.
Coding change: c.2519G>A on transcript NM_130839.5 (MANE Select); coding-DNA position 2519, G replaced by A.
Protein change: p.Cys840Tyr; replaces cysteine 840 with tyrosine.
Molecular consequence: missense variant. On other transcripts: non-coding transcript variant (1).
Genome position (GRCh38, 1-based): chr15:25,339,237, C>T on the plus strand (G>A on the coding strand, the complement: UBE3A is on the minus strand). VCF-style: chr15-25339237-C-T. GRCh37 (hg19) VCF-style: chr15-25584384-C-T.
Other names: c.2528G>A, p.Cys843Tyr (NM_000462.5); c.2519G>A, p.Cys840Tyr (NM_001354505.1, NM_001354538.2); c.2459G>A, p.Cys820Tyr (NM_001354506.2, NM_001354507.2, NM_001354508.2 and 14 more transcripts); c.2303G>A, p.Cys768Tyr (NM_001354548.2, NM_001354547.2); c.2294G>A, p.Cys765Tyr (NM_001354549.2); c.1268G>A, p.Cys423Tyr (NM_001354550.2); c.1208G>A, p.Cys403Tyr (NM_001354551.2); c.2363G>A, p.Cys788Tyr (NM_001354545.2); and 1 more; short protein forms C403Y, C423Y, C765Y, C768Y, C781Y, C788Y, C820Y, C840Y.
Identifiers: ClinVar variation 3377448 (VCV003377448.1).

ClinVar aggregate classification (germline): Likely pathogenic (1 of 4 stars; one submission).

Conditions:
Angelman syndrome (AS). Also called: HAPPY PUPPET SYNDROME. Identifiers: Orphanet 72, MedGen C0162635, MONDO:0007113, OMIM 105830. Disease mechanism: loss of function. Inheritance: AS is caused by disruption of maternally imprinted UBE3A located within the 15q11.2-q13 Angelman syndrome/Prader-Willi syndrome (AS/PWS) region., imprinting disorder.

Submission:

Victorian Clinical Genetics Services, Murdoch Childrens Research Institute
Classification: Likely pathogenic for Angelman syndrome. Last evaluated: 2020-05-21. Review status: criteria provided, single submitter. Criteria: ACMG Guidelines, 2015. Collection method: clinical testing. Allele origin: germline. Inheritance: Autosomal dominant inheritance. Affected: yes.
Comment: A heterozygous missense variant was identified, NM_130838.1(UBE3A):c.2459G>A in exon 10 of 10 of the UBE3A gene. This substitution is predicted to create a major amino acid change from cysteine to tyrosine at position 820 of the protein, NP_570853.1(UBE3A):p.(Cys820Tyr). The cysteine at this position is conserved in mammals and birds (100 vertebrates, UCSC), and is located within a catalytic site within the HECT functional domain (Khatri, N. et al. (2018)). In silico software predicts this variant to be disease causing (Polyphen, SIFT, CADD, Mutation Taster). The variant is not present in the gnomAD population database. The variant has been previously reported in patients with Angelman syndrome (Avagliano Trezza, R. et al. (2019), Yi, J. J. et al. (2015)). A different variant in the same codon resulting in a change to serine has also been shown to cause Angelman syndrome (ClinVar, Avagliano Trezza, R. et al. (2019)). Based on information available at the time of curation, this variant has been classified as LIKELY PATHOGENIC. Legend: (P) - Pathogenic, (N) - Neutral, (B) - Benign

Literature cited by the submitters: PubMed 26255772; PubMed 29175955; PubMed 31235931.